The following is an entry in ClinVar:

ClinVar aggregate classification (germline): Pathogenic/Likely pathogenic. Review status: criteria provided, multiple submitters, no conflicts (2 of 4 stars). 2 submissions from 2 submitters: Pathogenic (1); Likely pathogenic (1). Last evaluated 2023-08-05.

Conditions:
X-linked severe congenital neutropenia (SCNX). Identifiers: Orphanet 86788, MedGen C1845987, MONDO:0010294, OMIM 300299.
Thrombocytopenia 1. Also called: X-Linked Thrombocytopenia (XLT); THROMBOCYTOPENIA, X-LINKED, 1; X-linked thrombocytopenia with normal platelets. Identifiers: Orphanet 268322, Orphanet 852, MedGen C1839163, MONDO:0010743, OMIM 313900.
Wiskott-Aldrich syndrome (WAS). Also called: WISKOTT-ALDRICH SYNDROME 1; Wiskott-aldrich syndrome, somatic; ALDRICH SYNDROME; IMMUNODEFICIENCY 2. Identifiers: Orphanet 906, MedGen C0043194, MONDO:0010518, OMIM 301000.

Submissions (2):

Labcorp Genetics (formerly Invitae), Labcorp
Classification: Pathogenic for Wiskott-Aldrich syndrome; X-linked severe congenital neutropenia; Thrombocytopenia 1. Last evaluated: 2023-08-05. Review status: criteria provided, single submitter. Criteria: Invitae Variant Classification Sherloc (09022015). Collection method: clinical testing. Allele origin: germline.
Comment: This variant has not been reported in the literature in individuals affected with WAS-related conditions. This variant is not present in population databases (gnomAD no frequency). This sequence change creates a premature translational stop signal (p.Arg86Alafs*41) in the WAS gene. It is expected to result in an absent or disrupted protein product. Loss-of-function variants in WAS are known to be pathogenic (PMID: 15284122). For these reasons, this variant has been classified as Pathogenic. ClinVar contains an entry for this variant (Variation ID: 2501070).

Women's Health and Genetics/Laboratory Corporation of America, LabCorp
Classification: Likely pathogenic for Wiskott-Aldrich syndrome. Last evaluated: 2023-03-15. Review status: criteria provided, single submitter. Criteria: LabCorp Variant Classification Summary - May 2015. Collection method: clinical testing. Allele origin: germline.
Comment: Variant summary: WAS c.256delC (p.Arg86AlafsX41) results in a premature termination codon, predicted to cause a truncation of the encoded protein or absence of the protein due to nonsense mediated decay, which are commonly known mechanisms for disease. Truncations downstream of this position have been classified as pathogenic by our laboratory. The variant was absent in 178695 control chromosomes (gnomAD). To our knowledge, no occurrence of c.256delC in individuals affected with Wiskott-Aldrich Syndrome and no experimental evidence demonstrating its impact on protein function have been reported. No clinical diagnostic laboratories have submitted clinical-significance assessments for this variant to ClinVar after 2014. Based on the evidence outlined above, the variant was classified as likely pathogenic.

Literature cited by the submitters: PubMed 15284122 (cited by Labcorp Genetics (formerly Invitae), Labcorp).

NM_000377.3(WAS):c.256del (p.Arg86fs)

Gene: WAS (WASP actin nucleation promoting factor; plus strand). Cytogenetic location: Xp11.23.
Variant type: Deletion.
Coding change: c.256del on transcript NM_000377.3 (MANE Select); coding-DNA position 256, one base deleted (C; older notation c.256delC).
Protein change: p.Arg86fs; shifts the reading frame from arginine 86.
Molecular consequence: frameshift variant.
Genome position (GRCh38, 1-based): chrX:48,684,406, C deleted; the last of 2 consecutive C bases (chrX:48,684,405-48,684,406); deleting either gives the same sequence. VCF-style (leftmost placement, unchanged base first): chrX-48684404-TC-T. GRCh37 (hg19) VCF-style: chrX-48542793-TC-T.
Other names: short protein forms R86fs.
Identifiers: ClinVar variation 2501070 (VCV002501070.4), dbSNP rs2519278652, ClinGen allele CA2580617034.